The following is an entry in ClinVar:

NM_000443.4(ABCB4):c.1273G>A (p.Val425Met)

Gene: ABCB4 (ATP binding cassette subfamily B member 4; minus strand). Cytogenetic location: 7q21.12.
Variant type: single nucleotide variant.
Coding change: c.1273G>A on transcript NM_000443.4 (MANE Select); coding-DNA position 1273, G replaced by A.
Protein change: p.Val425Met; replaces valine 425 with methionine.
Molecular consequence: missense variant.
Genome position (GRCh38, 1-based): chr7:87,443,402, C>T on the plus strand (G>A on the coding strand, the complement: ABCB4 is on the minus strand). VCF-style: chr7-87443402-C-T. GRCh37 (hg19) VCF-style: chr7-87072718-C-T.
Other names: c.1273G>A, p.Val425Met (NM_018849.3, NM_018850.3); short protein forms V425M.
Identifiers: ClinVar variation 4846659 (VCV004846659.1).
Genomic context (GRCh38, chr7:87,443,402, plus strand): 5'-GCCTCTGTATCAGCTGGACCGTTGTGCTCTTCCCACAGCCACTACTTCCAACCAGGGCCA[C>T]CGTCTGCCCACTCTGCACCTTCAGGTTGAGGCCCTTCAAGATCTGTAAGGAAAATGAGAA-3'
Protein context (NP_000434.1, residues 415-435): LNLKVQSGQT[Val425Met]ALVGSSGCGK

ClinVar aggregate classification (germline): Uncertain significance (1 of 4 stars; one submission).

Conditions:
Familial intrahepatic cholestasis. Identifiers: Orphanet 284385, MedGen CN296401, MONDO:0017290.

Submission:

Genomenon, Inc
Classification: Uncertain significance for Familial intrahepatic cholestasis. Last evaluated: 2026-04-14. Review status: criteria provided, single submitter. Criteria: Genomenon Sequence Variant Interpretation Standards - Updated. Collection method: curation. Allele origin: germline. Affected: yes.
Comment: ABCB4 p.Val425Met (c.1273G>A) is a missense variant that changes the amino acid at residue 425 from Valine to Methionine. This variant has been observed in at least one proband with an ABCB4-related disorder (PMID:11313315). It is absent or not present at a significant frequency in gnomAD. In silico models predict that this variant is possibly or probably damaging. In conclusion, we classify ABCB4 p.Val425Met (c.1273G>A) as a variant of uncertain significance.

Literature cited by the submitters: PubMed 11313315.